The following is an entry in ClinVar:

ClinVar aggregate classification (germline): Likely pathogenic (1 of 4 stars; one submission).

Conditions:
Familial melanoma. Also called: Hereditary melanoma; Hereditary cutaneous melanoma. Identifiers: Orphanet 618, MedGen C1512419, MONDO:0018961.

Submission:

Labcorp Genetics (formerly Invitae), Labcorp
Classification: Likely pathogenic for Familial melanoma. Last evaluated: 2015-11-25. Review status: criteria provided, single submitter. Criteria: Invitae Variant Classification Sherloc (09022015). Collection method: clinical testing. Allele origin: germline.
Comment: This sequence change deletes 1 nucleotide and affects a donor splice site in intron 1. It is expected to disrupt mRNA splicing and likely results in an absent or disrupted protein product. In summary, this is a novel intronic variant at splice donor site that is expected to disrupt protein function. In the absence of segregation and functional data, this variant has been classified as Likely Pathogenic. While this particular variant has not been reported in the literature, truncating variants in CDKN2A are known to be pathogenic (PMID: 15146471, 16905682).

Literature cited by the submitters: PubMed 15146471; PubMed 16905682.

NM_000077.5(CDKN2A):c.150+1del

Gene: CDKN2A (cyclin dependent kinase inhibitor 2A; minus strand). Cytogenetic location: 9p21.3.
Variant type: Deletion.
Coding change: c.150+1del on transcript NM_000077.5 (MANE Select); the canonical splice donor site of the intron after coding-DNA position 150, one base deleted (G; older notation c.150+1delG).
Molecular consequence: splice donor variant. On other transcripts: frameshift variant (1), intron variant (2).
Genome position (GRCh38, 1-based): chr9:21,974,677, C deleted on the plus strand (G on the coding strand, the reverse complement: CDKN2A is on the minus strand); the first of 2 consecutive C bases (chr9:21,974,677-21,974,678); deleting either gives the same sequence. VCF-style (leftmost placement, unchanged base first): chr9-21974676-AC-A. GRCh37 (hg19) VCF-style: chr9-21974675-AC-A.
Other names: c.151del, p.Val51fs (NM_058197.5); c.-3-3469del (NM_001363763.2); c.194-3469del (NM_058195.4); c.150+1del (NM_001195132.2); c.150+1delG (NM_000077.4); short protein forms V51fs.
Identifiers: ClinVar variation 236980 (VCV000236980.9), dbSNP rs878853644, ClinGen allele CA10582656.
Genomic context (GRCh38, chr9:21,974,676, plus strand): 5'-GCAAACTTCGTCCTCCAGAGTCGCCCGCCATCCCCTGCTCCCGCTGCAGACCCTCTACCC[AC>A]CTGGATCGGCCTCCGACCGTAACTATTCGGTGCGTTGGGCAGCGCCCCCGCCTCCAGCAG-3'